The following is an entry in ClinVar:

ClinVar aggregate classification (germline): Uncertain significance (1 of 4 stars; one submission).

Submission:

GeneDx
Classification: Uncertain significance. Last evaluated: 2025-05-27. Review status: criteria provided, single submitter. Criteria: GeneDx Variant Classification Process June 2021. Collection method: clinical testing. Allele origin: germline. Affected: yes.
Comment: Not observed at significant frequency in large population cohorts (gnomAD); In silico analysis supports that this missense variant has a deleterious effect on protein structure/function; Has not been previously published as pathogenic or benign to our knowledge

NM_182931.3(KMT2E):c.1105G>A (p.Glu369Lys)

Gene: KMT2E (lysine methyltransferase 2E (inactive); plus strand). Cytogenetic location: 7q22.3.
Variant type: single nucleotide variant.
Coding change: c.1105G>A on transcript NM_182931.3 (MANE Select); coding-DNA position 1105, G replaced by A.
Protein change: p.Glu369Lys; replaces glutamic acid 369 with lysine.
Molecular consequence: missense variant.
Genome position (GRCh38, 1-based): chr7:105,077,408, G>A. VCF-style: chr7-105077408-G-A. GRCh37 (hg19) VCF-style: chr7-104717855-G-A.
Other names: c.1105G>A, p.Glu369Lys (NM_001410908.1, NM_018682.4); short protein forms E369K.
Identifiers: ClinVar variation 4532582 (VCV004532582.1).